The following is an entry in ClinVar:

NM_001146.5(ANGPT1):c.110A>G (p.Gln37Arg)

Gene: ANGPT1 (angiopoietin 1; minus strand). Cytogenetic location: 8q23.1.
Variant type: single nucleotide variant.
Coding change: c.110A>G on transcript NM_001146.5 (MANE Select); coding-DNA position 110, A replaced by G.
Protein change: p.Gln37Arg; replaces glutamine 37 with arginine.
Molecular consequence: missense variant.
Genome position (GRCh38, 1-based): chr8:107,497,449, T>C on the plus strand (A>G on the coding strand, the complement: ANGPT1 is on the minus strand). VCF-style: chr8-107497449-T-C. GRCh37 (hg19) VCF-style: chr8-108509677-T-C.
Other names: c.110A>G, p.Gln37Arg (NM_001199859.3); short protein forms Q37R.
Identifiers: ClinVar variation 2966581 (VCV002966581.3), dbSNP rs201164014, ClinGen allele CA4841444.
Genomic context (GRCh38, chr8:107,497,449, plus strand): 5'-CTCTCACGACAGTTGCCATCGTGTTCTGGAAGAATGAAAGTGTAGGCACATTGCCCATGT[T>C]GAATCCGGTTATATCTTCTCCCACTGTTTTCTGGACTTCGGCGCTGATTGCTGCACCCTA-3'
Protein context (NP_001137.2, residues 27-47): ENSGRRYNRI[Gln37Arg]HGQCAYTFIL

ClinVar aggregate classification (germline): Uncertain significance (1 of 4 stars; one submission).

Allele frequency attached by ClinVar (database versions not stated): TOPMed below 0.00001; gnomAD 0.00001; gnomAD exomes 0.00005; ExAC 0.00009.
gnomAD v4.1: 32 of 1,614,086 alleles (0.002%); highest among the groups gnomAD compares: Non-Finnish European, 0.00093%; no homozygotes.

Submission:

Labcorp Genetics (formerly Invitae), Labcorp
Classification: Uncertain significance. Last evaluated: 2023-10-05. Review status: criteria provided, single submitter. Criteria: Invitae Variant Classification Sherloc (09022015). Collection method: clinical testing. Allele origin: germline.
Comment: This sequence change replaces glutamine, which is neutral and polar, with arginine, which is basic and polar, at codon 37 of the ANGPT1 protein (p.Gln37Arg). This variant is present in population databases (rs201164014, gnomAD 0.03%). This variant has not been reported in the literature in individuals affected with ANGPT1-related conditions. An algorithm developed to predict the effect of missense changes on protein structure and function (PolyPhen-2) suggests that this variant is likely to be disruptive. In summary, the available evidence is currently insufficient to determine the role of this variant in disease. Therefore, it has been classified as a Variant of Uncertain Significance.